The following is an entry in ClinVar:

NM_022893.4(BCL11A):c.488-1G>A

Gene: BCL11A (BCL11 transcription factor A; minus strand). Cytogenetic location: 2p16.1.
Variant type: single nucleotide variant.
Coding change: c.488-1G>A on transcript NM_022893.4 (MANE Select); the canonical splice acceptor site of the intron before coding-DNA position 488, G replaced by A.
Molecular consequence: splice acceptor variant.
Genome position (GRCh38, 1-based): chr2:60,462,425, C>T on the plus strand (G>A on the coding strand, the complement: BCL11A is on the minus strand). VCF-style: chr2-60462425-C-T. GRCh37 (hg19) VCF-style: chr2-60689560-C-T.
Other names: c.488-1G>A (NM_138559.2, NM_018014.4, NM_001405732.1 and 4 more transcripts); c.386-1G>A (NM_001363864.1, NM_001405733.1, NM_001405719.1 and 3 more transcripts); c.32-1G>A (NM_001405731.1, NM_001405726.1, NM_001405728.1 and 2 more transcripts); c.332-1G>A (NM_001405735.1, NM_001405722.1, NM_001405734.1 and 6 more transcripts); c.230-1G>A (NM_001405736.1, NM_001405724.1, NM_001405718.1 and 1 more transcripts); c.155-1G>A (NM_001405721.1, NM_001405720.1).
Identifiers: ClinVar variation 2682233 (VCV002682233.2), dbSNP rs2466269611, ClinGen allele CA347040106.

ClinVar aggregate classification (germline): Pathogenic/Likely pathogenic. Review status: criteria provided, multiple submitters, no conflicts (2 of 4 stars). 2 submissions from 2 submitters: Pathogenic (1); Likely pathogenic (1). Last evaluated 2024-03-25.

Conditions:
Dias-Logan syndrome. Also called: INTELLECTUAL DEVELOPMENTAL DISORDER WITH HEREDITARY PERSISTENCE OF FETAL HEMOGLOBIN; Intellectual developmental disorder with persistence of fetal hemoglobin. Identifiers: Orphanet 619233, MedGen C4310833, MONDO:0014914, OMIM 617101.

Submissions (2):

Women's Health and Genetics/Laboratory Corporation of America, LabCorp
Classification: Likely pathogenic for Dias-Logan syndrome. Last evaluated: 2024-03-25. Review status: criteria provided, single submitter. Criteria: LabCorp Variant Classification Summary - May 2015. Collection method: clinical testing. Allele origin: germline.
Comment: Variant summary: BCL11A c.488-1G>A is located in a canonical splice-site of the last intron (intron 3) and is predicted to affect mRNA splicing resulting in a significantly altered protein due to either exon skipping, shortening, or inclusion of intronic material. Several computational tools predict a significant impact on normal splicing: Two predict the variant abolishes the canonical 3' splicing acceptor site. Two predict the variant weakens the canonical 3' splicing acceptor site. However, these predictions have yet to be confirmed by functional studies. The variant was absent in 221590 control chromosomes. The available data on variant occurrences in the general population are insufficient to allow any conclusion about variant significance. To our knowledge, no occurrence of c.488-1G>A in individuals affected with Intellectual Developmental Disorder With Persistence Of Fetal Hemoglobin and no experimental evidence demonstrating its impact on protein function have been reported. This variant was observed as a de-novo occurrence in at-least one individual with features of Dias-Logan syndrome tested at our laboratory. Additionally, although no other pathogenic variants at this acceptor splice-site have been reported, de-novo truncations in the C-Terminal portion of the BCL11A gene downstream of the NMD cutoff region have been reported in individuals with features of Dias-Logan syndrome (HGMD and Clinvar databases). No submitters have cited clinical-significance assessments for this variant to ClinVar after 2014. Based on the evidence outlined above, the variant was classified as likely pathogenic.

Genetics Laboratory, UDIAT-Centre Diagnòstic, Hospital Universitari Parc Tauli
Classification: Pathogenic for Dias-Logan syndrome. Last evaluated: 2022-09-13. Review status: criteria provided, single submitter. Criteria: ACMG Guidelines, 2015. Collection method: clinical testing. Allele origin: unknown. Inheritance: Autosomal dominant inheritance. Affected: yes.
Comment: PVS1_very strong;PM2_supporting;PM6_moderate